The following is an entry in ClinVar:

ClinVar aggregate classification (germline): Uncertain significance. Review status: criteria provided, multiple submitters, no conflicts (2 of 4 stars). 3 submissions from 3 submitters: Uncertain significance (3). Last evaluated 2025-10-15.

Conditions:
Tumoral calcinosis, hyperphosphatemic, familial, 3. Identifiers: MedGen C4693864, MONDO:0060715, OMIM 617994.

Allele frequency attached by ClinVar (database versions not stated): gnomAD 0.00019 and 0.00022; gnomAD exomes 0.00020 and 0.00031; TOPMed 0.00028; ExAC 0.00031; ESP Exome Variant Server 0.00054.
gnomAD v4.1: 332 of 1,614,138 alleles (0.021%); highest among the groups gnomAD compares: Middle Eastern, 0.2%; 1 homozygote.

Submissions (3):

Labcorp Genetics (formerly Invitae), Labcorp
Classification: Uncertain significance. Last evaluated: 2025-10-15. Review status: criteria provided, single submitter. Criteria: Invitae Variant Classification Sherloc (09022015). Collection method: clinical testing. Allele origin: germline.
Comment: This sequence change replaces valine, which is neutral and non-polar, with isoleucine, which is neutral and non-polar, at codon 323 of the KL protein (p.Val323Ile). This variant is present in population databases (rs143344388, gnomAD 0.06%), and has an allele count higher than expected for a pathogenic variant. This variant has not been reported in the literature in individuals affected with KL-related conditions. ClinVar contains an entry for this variant (Variation ID: 311689). Invitae Evidence Modeling of protein sequence and biophysical properties (such as structural, functional, and spatial information, amino acid conservation, physicochemical variation, residue mobility, and thermodynamic stability) has been performed for this missense variant. However, the output from this modeling did not meet the statistical confidence thresholds required to predict the impact of this variant on KL protein function. In summary, the available evidence is currently insufficient to determine the role of this variant in disease. Therefore, it has been classified as a Variant of Uncertain Significance.

Illumina Laboratory Services, Illumina
Classification: Uncertain significance for Tumoral calcinosis, hyperphosphatemic, familial, 3. Last evaluated: 2018-01-12. Review status: criteria provided, single submitter. Criteria: ICSL Variant Classification Criteria 13 December 2019. Collection method: clinical testing. Allele origin: germline.

Breakthrough Genomics
Classification: Uncertain significance. Review status: criteria provided, single submitter. Criteria: ACMG Guidelines, 2015. Collection method: not provided. Allele origin: germline. Inheritance: Autosomal recessive inheritance. Affected: yes.

NM_004795.4(KL):c.967G>A (p.Val323Ile)

Gene: KL (klotho; plus strand). Cytogenetic location: 13q13.1.
Variant type: single nucleotide variant.
Coding change: c.967G>A on transcript NM_004795.4 (MANE Select); coding-DNA position 967, G replaced by A.
Protein change: p.Val323Ile; replaces valine 323 with isoleucine.
Molecular consequence: missense variant.
Genome position (GRCh38, 1-based): chr13:33,053,914, G>A. VCF-style: chr13-33053914-G-A. GRCh37 (hg19) VCF-style: chr13-33628051-G-A.
Other names: short protein forms V323I.
Identifiers: ClinVar variation 311689 (VCV000311689.11), dbSNP rs143344388, ClinGen allele CA6944007.
Genomic context (GRCh38, chr13:33,053,914, plus strand): 5'-ATCAATCCTCGAAGAATGACCGACCACAGCATCAAAGAATGTCAAAAATCTCTGGACTTT[G>A]TACTAGGTTGGTTTGCCAAACCCGTATTTATTGATGGTGACTATCCCGAGAGCATGAAGA-3'
Protein context (NP_004786.2, residues 313-333): IKECQKSLDF[Val323Ile]LGWFAKPVFI